The following is an entry in ClinVar:

NM_001042492.3(NF1):c.8041_8042del (p.Ile2681fs)

Gene: NF1 (neurofibromin 1; plus strand). Cytogenetic location: 17q11.2.
Variant type: Deletion.
Coding change: c.8041_8042del on transcript NM_001042492.3 (MANE Select); coding-DNA positions 8041 to 8042, 2 bases deleted (AT; older notation c.8041_8042delAT).
Protein change: p.Ile2681fs; shifts the reading frame from isoleucine 2681.
Molecular consequence: frameshift variant.
Genome position (GRCh38, 1-based): chr17:31,358,550-31,358,551, AT deleted. VCF-style (leftmost placement, unchanged base first): chr17-31358549-AAT-A. GRCh37 (hg19) VCF-style: chr17-29685567-AAT-A.
Other names: c.7978_7979delAT, p.Ile2660Profs (NM_000267.4); short protein forms I2681fs, I2660fs.
Identifiers: ClinVar variation 2828344 (VCV002828344.3), dbSNP rs2508835198, ClinGen allele CA2739267304.

ClinVar aggregate classification (germline): Pathogenic (1 of 4 stars; one submission).

Conditions:
Neurofibromatosis, type 1 (NF1). Also called: VON RECKLINGHAUSEN DISEASE; NEUROFIBROMATOSIS, TYPE I, SOMATIC; Neurofibromatosis, type I; Peripheral type neurofibromatosis. Identifiers: Orphanet 636, MedGen C0027831, MONDO:0018975, OMIM 162200. Disease mechanism: loss of function.

Submission:

Labcorp Genetics (formerly Invitae), Labcorp
Classification: Pathogenic for Neurofibromatosis, type 1. Last evaluated: 2023-01-14. Review status: criteria provided, single submitter. Criteria: Invitae Variant Classification Sherloc (09022015). Collection method: clinical testing. Allele origin: germline.
Comment: This sequence change creates a premature translational stop signal (p.Ile2660Profs*11) in the NF1 gene. It is expected to result in an absent or disrupted protein product. Loss-of-function variants in NF1 are known to be pathogenic (PMID: 10712197, 23913538). This variant is not present in population databases (gnomAD no frequency). This variant has not been reported in the literature in individuals affected with NF1-related conditions. For these reasons, this variant has been classified as Pathogenic.

Literature cited by the submitters: PubMed 10712197; PubMed 23913538.